The following is an entry in ClinVar:

NM_004415.4(DSP):c.1524_1534delinsCATGTCAGGGT (p.Gly509_Ile512delinsMetSerGlyPhe)

Gene: DSP (desmoplakin; plus strand). Cytogenetic location: 6p24.3.
Variant type: Indel.
Coding change: c.1524_1534delinsCATGTCAGGGT on transcript NM_004415.4 (MANE Select); coding-DNA positions 1524 to 1534, GGGGCTGATCA replaced by CATGTCAGGGT.
Protein change: p.Gly509_Ile512delinsMetSerGlyPhe.
Molecular consequence: missense variant.
Genome position (GRCh38, 1-based): chr6:7,569,290-7,569,300, GGGGCTGATCA replaced by CATGTCAGGGT. VCF-style: chr6-7569290-GGGGCTGATCA-CATGTCAGGGT. GRCh37 (hg19) VCF-style: chr6-7569523-GGGGCTGATCA-CATGTCAGGGT.
Other names: c.1524_1534delinsCATGTCAGGGT, p.Gly509_Ile512delinsMetSerGlyPhe (NM_001008844.3, NM_001319034.2).
Identifiers: ClinVar variation 5037808 (VCV005037808.1).
Genomic context (GRCh38, chr6:7,569,290, plus strand): 5'-CGAGCGCAGCAAGTGGTACGTGACGGGCCCGGGAGGCGTTGACATGCTTGTTCCCTCTGT[GGGGCTGATCA>CATGTCAGGGT]TCCCTCCTCCGAACCCACTGGCCGTGGACCTCTCTTGCAAGTAAGTCATCCAAGTTCCCA-3'

ClinVar aggregate classification (germline): Uncertain significance (1 of 4 stars; one submission).

Conditions:
Cardiovascular phenotype. Identifiers: MedGen CN230736.

Submission:

Molecular Diagnostic Laboratory for Inherited Cardiovascular Disease, Montreal Heart Institute
Classification: Uncertain significance for Cardiovascular phenotype. Last evaluated: 2026-09-21. Review status: criteria provided, single submitter. Criteria: ACMG Guidelines, 2015. Collection method: clinical testing. Allele origin: germline. Affected: yes.
Comment: PM1, PM2, PM4_supp